The following is an entry in ClinVar:

NM_000059.4(BRCA2):c.-39-1_-39del

Gene: BRCA2 (BRCA2 DNA repair associated; plus strand). Cytogenetic location: 13q13.1.
Variant type: Deletion.
Coding change: c.-39-1_-39del on transcript NM_000059.4 (MANE Select); the canonical splice acceptor site of the intron before 39 bases upstream of the start codon through 39 bases upstream of the start codon, 2 bases deleted (GA; older notation c.-39-1_-39delGA).
Molecular consequence: splice acceptor variant.
Genome position (GRCh38, 1-based): chr13:32,316,421-32,316,422, GA deleted; deleting any 2 consecutive bases within chr13:32,316,420-32,316,422 gives the same sequence; the c. name uses the placement nearest the transcript's 3' end. VCF-style (leftmost placement, unchanged base first): chr13-32316419-CAG-C. GRCh37 (hg19) VCF-style: chr13-32890556-CAG-C.
Other names: c.-39-1_-39delGA (NM_000059.3); c.-39-2_-39-1del (NM_000059.3).
Identifiers: ClinVar variation 421014 (VCV000421014.22), dbSNP rs758732038, ClinGen allele CA6940297.

ClinVar aggregate classification (germline): Likely pathogenic. Review status: criteria provided, multiple submitters, no conflicts (2 of 4 stars). 6 submissions from 6 submitters: Likely pathogenic (6). Last evaluated 2025-12-29.

Conditions:
Familial prostate cancer. Also called: Hereditary Prostate Cancer. Identifiers: MedGen C2931456, MONDO:0700275, OMIM 176807.
Familial cancer of breast. Also called: hereditary breast carcinoma; BREAST CANCER, FAMILIAL; Hereditary breast cancer. Identifiers: Orphanet 227535, MedGen C0346153, MONDO:0016419, OMIM 114480. Disease mechanism: loss of function.
Breast-ovarian cancer, familial, susceptibility to, 2 (BROVCA2). Also called: BRCA2 Hereditary Breast and Ovarian Cancer. Identifiers: Orphanet 145, MedGen C2675520, MONDO:0012933, OMIM 612555. Disease mechanism: loss of function.
Medulloblastoma (MDB). Also called: Medulloblastoma, somatic; MEDULLOBLASTOMA PREDISPOSITION SYNDROME. Identifiers: Orphanet 616, MedGen C0025149, MeSH D008527, MONDO:0007959, OMIM 155255, HP:0002885.
Wilms tumor 1 (WT1). Also called: Wilms tumor, somatic. Identifiers: Orphanet 654, MedGen CN033288, MONDO:0008679, OMIM 194070.
Pancreatic cancer, susceptibility to, 2. Identifiers: Orphanet 1333, MedGen C3150546, MONDO:0013235, OMIM 613347.
Glioma susceptibility 3 (GLM3). Also called: Glioblastoma 3. Identifiers: Orphanet 182067, Orphanet 360, MedGen C2751641, MONDO:0013093, OMIM 613029.
Fanconi anemia complementation group D1. Also called: BRCA2-Related Fanconi Anemia. Identifiers: Orphanet 319462, MedGen C1838457, MONDO:0011584, OMIM 605724.
Hereditary cancer-predisposing syndrome. Also called: Hereditary Cancer Syndrome; Tumor predisposition; Neoplastic Syndromes, Hereditary; Hereditary neoplastic syndrome. Identifiers: Orphanet 140162, MedGen C0027672, MeSH D009386, MONDO:0015356.
Hereditary breast ovarian cancer syndrome. Also called: Breast and ovarian cancer; Hereditary breast and ovarian cancer syndrome; BRCA1- and BRCA2-Associated Hereditary Breast and Ovarian Cancer; Hereditary breast and ovarian cancer syndrome (HBOC); Hereditary breast and/or ovarian cancer syndrome; Hereditary breast and ovarian cancer. Identifiers: Orphanet 145, MedGen C0677776, MeSH D061325, MONDO:0003582. Disease mechanism: loss of function.

Submissions (6):

Labcorp Genetics (formerly Invitae), Labcorp
Classification: Likely pathogenic for Hereditary breast ovarian cancer syndrome. Last evaluated: 2025-12-29. Review status: criteria provided, single submitter. Criteria: Invitae Variant Classification Sherloc (09022015). Collection method: clinical testing. Allele origin: germline.
Comment: This sequence change affects a splice site in intron 1 of the BRCA2 gene. It is expected to disrupt RNA splicing. Variants that disrupt the donor or acceptor splice site typically lead to a loss of protein function (PMID: 16199547), and loss-of-function variants in BRCA2 are known to be pathogenic (PMID: 20104584). This variant is present in population databases (rs758732038, gnomAD 0.01%). Disruption of this splice site has been observed in individual(s) with with breast cancer (PMID: 26187060, 28993434, 31174498, 32091409), as well as an individual affected with medulloblastoma (PMID: 29753700). ClinVar contains an entry for this variant (Variation ID: 421014). RNA analysis provides insufficient evidence to determine the effect of this variant on BRCA2 splicing (internal data). In summary, the currently available evidence indicates that the variant is pathogenic, but additional data are needed to prove that conclusively. Therefore, this variant has been classified as Likely Pathogenic.

Ambry Genetics
Classification: Likely pathogenic for Hereditary cancer-predisposing syndrome. Last evaluated: 2025-07-03. Review status: criteria provided, single submitter. Criteria: Ambry Variant Classification Scheme 2023. Collection method: clinical testing. Allele origin: germline.
Comment: The c.-39-1_-39delGA variant is located in the 5' untranslated region (5'UTR) of the BRCA2 gene and results from a deletion of two nucleotides (GA) spanning the intron/exon boundary of coding exon 1. This alteration has been identified in multiple breast cancer patients of Chinese descent (Kwong, 2016; Wen, 2018; Bhaskaran, 2019). A close-match alteration, BRCA2 c.-39-1G>A, also impacts this canonical splice acceptor leads to skipping of coding exon 1 (also known as Exon 2 in the literature), removing the native translational start codon (Davy, 2017). This nucleotide position is highly conserved in available vertebrate species. RNA studies have demonstrated that this alteration results in abnormal splicing in the set of samples tested (Ambry internal data). In silico splice site analysis predicts that this alteration will weaken the native splice acceptor site and may result in the creation or strengthening of a novel splice donor site. Based on the available evidence, this alteration is classified as likely pathogenic.

GeneDx
Classification: Likely pathogenic. Last evaluated: 2024-10-22. Review status: criteria provided, single submitter. Criteria: GeneDx Variant Classification Process June 2021. Collection method: clinical testing. Allele origin: germline. Affected: yes.
Comment: Deletion of the canonical splice site, predicted to result in the loss of the downstream initiation codon, resulting in a null allele in a gene for which loss-of-function is a known mechanism of disease; Not observed at significant frequency in large population cohorts (gnomAD); Also known as 190-1_190delGA; IVS1-1delGA; 190-1_190del; This variant is associated with the following publications: (PMID: 27157322, 28993434, 31131967, 35436018, 20104584, 16199547, 28905878, 36290365, 26187060, 30702160, 29489754, 29753700, 30720243, 31174498, 32091409, 31825140, 33889545)

Baylor Genetics
Classification: Likely pathogenic for Familial cancer of breast. Last evaluated: 2021-08-27. Review status: criteria provided, single submitter. Criteria: ACMG Guidelines, 2015. Collection method: clinical testing. Allele origin: unknown.

Institute of Human Genetics, University of Leipzig Medical Center
Classification: Likely pathogenic for Familial cancer of breast. Last evaluated: 2019-01-01. Review status: criteria provided, single submitter. Criteria: ACMG Guidelines, 2015. Collection method: clinical testing. Allele origin: unknown. Affected: yes.

Juno Genomics, Hangzhou Juno Genomics, Inc
Classification: Likely pathogenic for Familial cancer of breast; Breast-ovarian cancer, familial, susceptibility to, 2; Glioma susceptibility 3; Medulloblastoma; Pancreatic cancer, susceptibility to, 2; Familial prostate cancer; Fanconi anemia complementation group D1; Wilms tumor 1. Review status: criteria provided, single submitter. Criteria: ACMG Guidelines, 2015. Collection method: clinical testing. Allele origin: germline.
Comment: Null variant in a gene where loss of function (LOF) is a known mechanism of disease.

Literature cited by the submitters: PubMed 16199547 (cited by Labcorp Genetics (formerly Invitae), Labcorp); PubMed 20104584 (cited by Labcorp Genetics (formerly Invitae), Labcorp); PubMed 26187060 (cited by Labcorp Genetics (formerly Invitae), Labcorp and Ambry Genetics); PubMed 28993434 (cited by Labcorp Genetics (formerly Invitae), Labcorp and Ambry Genetics); PubMed 31174498 (cited by Labcorp Genetics (formerly Invitae), Labcorp); PubMed 32091409 (cited by Labcorp Genetics (formerly Invitae), Labcorp); PubMed 29753700 (cited by Labcorp Genetics (formerly Invitae), Labcorp); PubMed 28905878 (cited by Ambry Genetics); PubMed 30702160 (cited by Ambry Genetics).